The following is an entry in ClinVar:

NM_004085.4(TIMM8A):c.206G>A (p.Arg69His)

Gene: TIMM8A (translocase of inner mitochondrial membrane 8A; minus strand). Cytogenetic location: Xq22.1.
Variant type: single nucleotide variant.
Coding change: c.206G>A on transcript NM_004085.4 (MANE Select); coding-DNA position 206, G replaced by A.
Protein change: p.Arg69His; replaces arginine 69 with histidine.
Molecular consequence: missense variant. On other transcripts: 3 prime UTR variant (1).
Genome position (GRCh38, 1-based): chrX:101,346,587, C>T on the plus strand (G>A on the coding strand, the complement: TIMM8A is on the minus strand). VCF-style: chrX-101346587-C-T. GRCh37 (hg19) VCF-style: chrX-100601575-C-T.
Other names: c.*1800G>A (NM_001145951.2); short protein forms R69H.
Identifiers: ClinVar variation 2825134 (VCV002825134.3), dbSNP rs781878654, ClinGen allele CA10472893.

ClinVar aggregate classification (germline): Uncertain significance (1 of 4 stars; one submission).

Allele frequency attached by ClinVar (database versions not stated): 1000 Genomes Project 30x 0.00021; ExAC 0.00001.

Submission:

Labcorp Genetics (formerly Invitae), Labcorp
Classification: Uncertain significance. Last evaluated: 2023-06-04. Review status: criteria provided, single submitter. Criteria: Invitae Variant Classification Sherloc (09022015). Collection method: clinical testing. Allele origin: germline.
Comment: This variant has not been reported in the literature in individuals affected with TIMM8A-related conditions. In summary, the available evidence is currently insufficient to determine the role of this variant in disease. Therefore, it has been classified as a Variant of Uncertain Significance. An algorithm developed to predict the effect of missense changes on protein structure and function (PolyPhen-2) suggests that this variant is likely to be tolerated. This variant is present in population databases (rs781878654, gnomAD 0.001%), including at least one homozygous and/or hemizygous individual. This sequence change replaces arginine, which is basic and polar, with histidine, which is basic and polar, at codon 69 of the TIMM8A protein (p.Arg69His).